The following is an entry in ClinVar:

ClinVar aggregate classification (germline): Uncertain significance (1 of 4 stars; one submission).

Conditions:
Mevalonic aciduria (MEVA). Identifiers: Orphanet 29, MedGen C1959626, MONDO:0012481, OMIM 610377.
Porokeratosis 3, disseminated superficial actinic type (POROK3). Also called: POROKERATOSIS, DISSEMINATED SUPERFICIAL ACTINIC, 1; POROKERATOSIS 3, MIBELLI TYPE; POROKERATOSIS 3, MULTIPLE TYPES. Identifiers: MedGen C1867981, MONDO:0008293, OMIM 175900.
Hyperimmunoglobulin D with periodic fever (HIDS). Also called: HYPERIMMUNOGLOBULINEMIA D AND PERIODIC FEVER SYNDROME; Hyperimmunoglobulinemia D; Hyperimmunoglobulinemia D with periodic fever. Identifiers: Orphanet 343, MedGen C0398691, MONDO:0009849, OMIM 260920.

Submission:

Labcorp Genetics (formerly Invitae), Labcorp
Classification: Uncertain significance for Mevalonic aciduria; Hyperimmunoglobulin D with periodic fever; Porokeratosis 3, disseminated superficial actinic type. Last evaluated: 2025-05-13. Review status: criteria provided, single submitter. Criteria: Invitae Variant Classification Sherloc (09022015). Collection method: clinical testing. Allele origin: germline.
Comment: This variant, c.839_883del, results in the deletion of 15 amino acid(s) of the MVK protein (p.Gly280_Leu294del), but otherwise preserves the integrity of the reading frame. This variant is not present in population databases (gnomAD no frequency). This variant has not been reported in the literature in individuals affected with MVK-related conditions. Experimental studies and prediction algorithms are not available or were not evaluated, and the functional significance of this variant is currently unknown. This variant disrupts a region of the MVK protein in which other variant(s) (p.Met282Thr) have been observed in individuals with MVK-related conditions (PMID: 28603204). This suggests that this is a clinically significant region of the protein, and that variants that disrupt it are likely to be disease-causing. In summary, the available evidence is currently insufficient to determine the role of this variant in disease. Therefore, it has been classified as a Variant of Uncertain Significance.

Literature cited by the submitters: PubMed 28603204.

NM_000431.4(MVK):c.839_883del (p.Gly280_Leu294del)

Gene: MVK (mevalonate kinase; plus strand). Cytogenetic location: 12q24.11.
Variant type: Deletion.
Coding change: c.839_883del on transcript NM_000431.4 (MANE Select); coding-DNA positions 839 to 883, 45 bases deleted.
Protein change: p.Gly280_Leu294del.
Molecular consequence: non-coding transcript variant (on NR_182758.1).
Genome position (GRCh38, 1-based): chr12:109,591,311-109,591,355, 45 bases deleted; deleting any 45 consecutive bases within chr12:109,591,303-109,591,355 gives the same sequence; the c. name uses the placement nearest the transcript's 3' end. GRCh37 (hg19): chr12:110,029,116-110,029,160.
Other names: c.839_883del, p.Gly280_Leu294del (NM_001114185.3, NM_001414511.1, NM_001414513.1); c.683_727del, p.Gly228_Leu242del (NM_001301182.2, NM_001414514.1); c.914_958del, p.Gly305_Leu319del (NM_001414512.1); c.257_301del, p.Gly86_Leu100del (NM_001414515.1).
Identifiers: ClinVar variation 4784713 (VCV004784713.1).